The following is an entry in ClinVar:

ClinVar aggregate classification (germline): Uncertain significance (1 of 4 stars; one submission).

Conditions:
Hereditary cancer-predisposing syndrome. Also called: Neoplastic Syndromes, Hereditary; Tumor predisposition; Hereditary Cancer Syndrome; Hereditary neoplastic syndrome. Identifiers: Orphanet 140162, MedGen C0027672, MeSH D009386, MONDO:0015356.

Submission:

Ambry Genetics
Classification: Uncertain significance for Hereditary cancer-predisposing syndrome. Last evaluated: 2025-12-22. Review status: criteria provided, single submitter. Criteria: Ambry Variant Classification Scheme 2023. Collection method: clinical testing. Allele origin: germline.
Comment: The p.I1018T variant (also known as c.3053T>C), located in coding exon 25 of the EGFR gene, results from a T to C substitution at nucleotide position 3053. The isoleucine at codon 1018 is replaced by threonine, an amino acid with similar properties. This amino acid position is conserved. In addition, this alteration is predicted to be tolerated by in silico analysis. Based on the available evidence, the clinical significance of this variant remains unclear.

NM_005228.5(EGFR):c.3053T>C (p.Ile1018Thr)

Gene: EGFR (epidermal growth factor receptor; plus strand). Cytogenetic location: 7p11.2.
Variant type: single nucleotide variant.
Coding change: c.3053T>C on transcript NM_005228.5 (MANE Select); coding-DNA position 3053, T replaced by C.
Protein change: p.Ile1018Thr; replaces isoleucine 1018 with threonine.
Molecular consequence: missense variant.
Genome position (GRCh38, 1-based): chr7:55,201,294, T>C. VCF-style: chr7-55201294-T-C. GRCh37 (hg19) VCF-style: chr7-55268987-T-C.
Other names: c.2918T>C, p.Ile973Thr (NM_001346897.2, NM_001346899.2); c.3053T>C, p.Ile1018Thr (NM_001346898.2); c.2894T>C, p.Ile965Thr (NM_001346900.2); c.2252T>C, p.Ile751Thr (NM_001346941.2); short protein forms I965T, I973T, I1018T, I751T.
Identifiers: ClinVar variation 4842913 (VCV004842913.1).
Genomic context (GRCh38, chr7:55,201,294, plus strand): 5'-ACCGTGCCCTGATGGATGAAGAAGACATGGACGACGTGGTGGATGCCGACGAGTACCTCA[T>C]CCCACAGCAGGGCTTCTTCAGCAGCCCCTCCACGTCACGGACTCCCCTCCTGAGCTCTCT-3'
Protein context (NP_005219.2, residues 1008-1028): DDVVDADEYL[Ile1018Thr]PQQGFFSSPS